The following is an entry in ClinVar:

ClinVar aggregate classification (germline): Uncertain significance. Review status: criteria provided, multiple submitters, no conflicts (2 of 4 stars). 2 submissions from 2 submitters: Uncertain significance (2). Last evaluated 2025-10-14.

Conditions:
Cardiovascular phenotype. Identifiers: MedGen CN230736.
Brugada syndrome. Also called: Sudden unexplained nocturnal death syndrome; Sudden Unexplained Death Syndrome; Sudden Unexplained Nocturnal Death Syndrome (SUNDS); Sudden unexpected nocturnal death syndrome. Identifiers: Orphanet 130, MedGen C1142166, MONDO:0015263.

gnomAD v4.1: 23 of 1,610,806 alleles (0.0014%); highest among the groups gnomAD compares: Non-Finnish European, 0.0017%; no homozygotes.

Submissions (2):

Ambry Genetics
Classification: Uncertain significance for Cardiovascular phenotype. Last evaluated: 2025-10-14. Review status: criteria provided, single submitter. Criteria: Ambry Variant Classification Scheme 2023. Collection method: clinical testing. Allele origin: germline.
Comment: The p.R310H variant (also known as c.929G>A), located in coding exon 7 of the GPD1L gene, results from a G to A substitution at nucleotide position 929. The arginine at codon 310 is replaced by histidine, an amino acid with highly similar properties. This amino acid position is conserved. In addition, this alteration is predicted to be tolerated by in silico analysis. Since supporting evidence is limited at this time, the clinical significance of this alteration remains unclear.

Labcorp Genetics (formerly Invitae), Labcorp
Classification: Uncertain significance for Brugada syndrome. Last evaluated: 2023-03-23. Review status: criteria provided, single submitter. Criteria: Invitae Variant Classification Sherloc (09022015). Collection method: clinical testing. Allele origin: germline.
Comment: In summary, the available evidence is currently insufficient to determine the role of this variant in disease. Therefore, it has been classified as a Variant of Uncertain Significance. Advanced modeling of protein sequence and biophysical properties (such as structural, functional, and spatial information, amino acid conservation, physicochemical variation, residue mobility, and thermodynamic stability) performed at Invitae indicates that this missense variant is not expected to disrupt GPD1L protein function. ClinVar contains an entry for this variant (Variation ID: 1766463). This variant has not been reported in the literature in individuals affected with GPD1L-related conditions. This variant is present in population databases (rs771520513, gnomAD 0.002%). This sequence change replaces arginine, which is basic and polar, with histidine, which is basic and polar, at codon 310 of the GPD1L protein (p.Arg310His).

NM_015141.4(GPD1L):c.929G>A (p.Arg310His)

Gene: GPD1L (glycerol-3-phosphate dehydrogenase 1 like; plus strand). Cytogenetic location: 3p22.3.
Variant type: single nucleotide variant.
Coding change: c.929G>A on transcript NM_015141.4 (MANE Select); coding-DNA position 929, G replaced by A.
Protein change: p.Arg310His; replaces arginine 310 with histidine.
Molecular consequence: missense variant.
Genome position (GRCh38, 1-based): chr3:32,159,644, G>A. VCF-style: chr3-32159644-G-A. GRCh37 (hg19) VCF-style: chr3-32201136-G-A.
Other names: short protein forms R310H.
Identifiers: ClinVar variation 1766463 (VCV001766463.6), dbSNP rs771520513, ClinGen allele CA2296786.